The following is an entry in ClinVar:

NM_001220.5(CAMK2B):c.1507G>C (p.Gly503Arg)

Gene: CAMK2B (calcium/calmodulin dependent protein kinase II beta; minus strand). Cytogenetic location: 7p13.
Variant type: single nucleotide variant.
Coding change: c.1507G>C on transcript NM_001220.5 (MANE Select); coding-DNA position 1507, G replaced by C.
Protein change: p.Gly503Arg; replaces glycine 503 with arginine.
Molecular consequence: missense variant. On other transcripts: intron variant (8).
Genome position (GRCh38, 1-based): chr7:44,226,606, C>G on the plus strand (G>C on the coding strand, the complement: CAMK2B is on the minus strand). VCF-style: chr7-44226606-C-G. GRCh37 (hg19) VCF-style: chr7-44266205-C-G.
Other names: c.947-5705G>C (NM_172084.3); c.1150+4400G>C (NM_172080.3); c.1036+4400G>C (NM_172083.3); c.1108+4400G>C (NM_172081.3); c.1153+4400G>C (NM_172079.3, NM_172082.3); c.1225+4400G>C (NM_001293170.2, NM_172078.3); short protein forms G503R.
Identifiers: ClinVar variation 3654000 (VCV003654000.2).

ClinVar aggregate classification (germline): Uncertain significance (1 of 4 stars; one submission).

gnomAD v4.1: 3 of 1,523,426 alleles (0.0002%); highest among the groups gnomAD compares: Non-Finnish European, 0.00026%; no homozygotes.

Submission:

Labcorp Genetics (formerly Invitae), Labcorp
Classification: Uncertain significance. Last evaluated: 2025-04-27. Review status: criteria provided, single submitter. Criteria: Invitae Variant Classification Sherloc (09022015). Collection method: clinical testing. Allele origin: germline.
Comment: This sequence change replaces glycine, which is neutral and non-polar, with arginine, which is basic and polar, at codon 503 of the CAMK2B protein (p.Gly503Arg). This variant is present in population databases (no rsID available, gnomAD 0.001%). This variant has not been reported in the literature in individuals affected with CAMK2B-related conditions. ClinVar contains an entry for this variant (Variation ID: 3654000). An algorithm developed to predict the effect of missense changes on protein structure and function (PolyPhen-2) suggests that this variant is likely to be disruptive. In summary, the available evidence is currently insufficient to determine the role of this variant in disease. Therefore, it has been classified as a Variant of Uncertain Significance.